The following is an entry in ClinVar:

NM_005188.4(CBL):c.2641G>T (p.Ala881Ser)

Gene: CBL (Cbl proto-oncogene; plus strand). Cytogenetic location: 11q23.3.
Variant type: single nucleotide variant.
Coding change: c.2641G>T on transcript NM_005188.4 (MANE Select); coding-DNA position 2641, G replaced by T.
Protein change: p.Ala881Ser; replaces alanine 881 with serine.
Molecular consequence: missense variant.
Genome position (GRCh38, 1-based): chr11:119,299,701, G>T. VCF-style: chr11-119299701-G-T. GRCh37 (hg19) VCF-style: chr11-119170411-G-T.
Other names: short protein forms A881S.
Identifiers: ClinVar variation 3224651 (VCV003224651.1), dbSNP rs1425309639, ClinGen allele CA382933689.
Genomic context (GRCh38, chr11:119,299,701, plus strand): 5'-ATCGAGAACCTCATGAGTCAGGGGTACTCCTACCAGGACATCCAGAAAGCTTTGGTCATT[G>T]CCCAGAACAACATCGAGATGGCCAAAAACATCCTCCGGGAATTTGTTTCCATTTCTTCTC-3'
Protein context (NP_005179.2, residues 871-891): YQDIQKALVI[Ala881Ser]QNNIEMAKNI

ClinVar aggregate classification (germline): Uncertain significance (1 of 4 stars; one submission).

Conditions:
Cardiovascular phenotype. Identifiers: MedGen CN230736.

Allele frequency attached by ClinVar (database versions not stated): gnomAD exomes below 0.00001.

Submission:

Ambry Genetics
Classification: Uncertain significance for Cardiovascular phenotype. Last evaluated: 2024-02-09. Review status: criteria provided, single submitter. Criteria: Ambry Variant Classification Scheme 2023. Collection method: clinical testing. Allele origin: germline.
Comment: The p.A881S variant (also known as c.2641G>T), located in coding exon 16 of the CBL gene, results from a G to T substitution at nucleotide position 2641. The alanine at codon 881 is replaced by serine, an amino acid with similar properties. This amino acid position is conserved. In addition, the in silico prediction for this alteration is inconclusive. Based on the available evidence, the clinical significance of this alteration remains unclear.